The following is an entry in ClinVar:

NM_024312.5(GNPTAB):c.3503_3504del (p.Leu1168fs)

Gene: GNPTAB (N-acetylglucosamine-1-phosphate transferase subunits alpha and beta; minus strand). Cytogenetic location: 12q23.2.
Variant type: Microsatellite.
Coding change: c.3503_3504del on transcript NM_024312.5 (MANE Select); coding-DNA positions 3503 to 3504, 2 bases deleted (TC; older notation c.3503_3504delTC).
Protein change: p.Leu1168fs; shifts the reading frame from leucine 1168.
Molecular consequence: frameshift variant.
Genome position (GRCh38, 1-based): chr12:101,753,470-101,753,471, GA deleted on the plus strand (TC on the coding strand, the reverse complement: GNPTAB is on the minus strand); deleting any 2 consecutive bases within chr12:101,753,470-101,753,473 gives the same sequence; the c. name uses the placement nearest the transcript's 3' end. VCF-style (leftmost placement, unchanged base first): chr12-101753469-TGA-T. GRCh37 (hg19) VCF-style: chr12-102147247-TGA-T.
Other names: p.Leu1168Glnfs*5; p.Leu1168GlnfsTer5; AY687932:c.3503_3504delTC; c.3501_3502delTC (NM_024312.5); c.3503_3504del (NM_024312.4); c.3503_3504delTC (NM_024312.5); short protein forms L1168fs.
Identifiers: ClinVar variation 2771 (VCV000002771.102), dbSNP rs34002892, ClinGen allele CA223755.

ClinVar aggregate classification (germline): Pathogenic. Review status: criteria provided, multiple submitters, no conflicts (2 of 4 stars). 43 submissions from 41 submitters: Pathogenic (36). 7 of the submissions do not count toward it. Last evaluated 2026-05-04.

Conditions:
GNPTAB-Related Disorders. Also called: GNPTAB-related disorder; GNPTAB-related condition. Identifiers: MedGen CN381523.
Inborn genetic diseases. Identifiers: MedGen C0950123, MeSH D030342.
Mucolipidosis type II. Also called: ML II ALPHA/BETA; Mucolipidosis 2; ML 2; Inclusion cell disease; Leroy Disease; N-acetylglucosamine 1phosphotransferase deficiency. Identifiers: Orphanet 576, MedGen C2673377, MONDO:0009650, OMIM 252500.
Pseudo-Hurler polydystrophy. Also called: MUCOLIPIDOSIS IIIA; ML III; ML III ALPHA/BETA; Mucolipidosis III Alpha/Beta; Type III Mucolipidosis; ML IIIA. Identifiers: Orphanet 423461, Orphanet 577, MedGen C0033788, MONDO:0018931, OMIM 252600.

Submissions 1 to 14 of 43:

Genetics laboratory, Institute of Kidney Diseases & Research Centre Dr. H.L. Trivedi Institute Of Transplantation Sciences
Classification: Pathogenic for Mucolipidosis type II. Last evaluated: 2026-05-04. Review status: criteria provided, single submitter. Criteria: ACMG Guidelines, 2015. Collection method: clinical testing. Allele origin: germline. Inheritance: Autosomal recessive inheritance. Affected: yes. Observed: 1 variant allele, 1 homozygote.
Comment: A frameshift variant, NM_024312.5:c.3503_3504delTC (p.Leu1168Glnfs*5), was identified in the GNPTAB gene. The variant introduces a premature termination codon and is predicted to result in loss of normal GNPTAB protein function (PVS1). The variant is absent or extremely rare in population databases (PM2). Furthermore, this variant has been reported in affected individuals in the homozygous and/or compound-heterozygous state, supporting its association with the autosomal-recessive GNPTAB-related disorders (PM3). Based on the combined evidence, the variant is classified as Pathogenic according to the ACMG/AMP guideline

Labcorp Genetics (formerly Invitae), Labcorp
Classification: Pathogenic for Pseudo-Hurler polydystrophy; Mucolipidosis type II. Last evaluated: 2026-01-18. Review status: criteria provided, single submitter. Criteria: Invitae Variant Classification Sherloc (09022015). Collection method: clinical testing. Allele origin: germline.
Comment: This sequence change creates a premature translational stop signal (p.Leu1168Glnfs*5) in the GNPTAB gene. It is expected to result in an absent or disrupted protein product. Loss-of-function variants in GNPTAB are known to be pathogenic (PMID: 19617216, 25107912). This variant is present in population databases (rs34002892, gnomAD 0.07%), and has an allele count higher than expected for a pathogenic variant. This premature translational stop signal has been observed in individuals with mucolipidosis (PMID: 16465621, 20880125, 24375680, 25606425, 27710913). This variant is also known as 3665_3666delTC, FS1172X. ClinVar contains an entry for this variant (Variation ID: 2771). For these reasons, this variant has been classified as Pathogenic.

3billion
Classification: Pathogenic for Mucolipidosis type II. Last evaluated: 2026-01-08. Review status: criteria provided, single submitter. Criteria: ACMG Guidelines, 2015. Collection method: clinical testing. Allele origin: germline. Affected: yes.
Comment: The variant is observed at an extremely low frequency in the gnomAD v4.1.0 dataset (total allele frequency: 0.049%). Predicted Consequence/Location: Frameshift: predicted to result in a loss or disruption of normal protein function through nonsense-mediated decay (NMD) or protein truncation. Multiple pathogenic variants are reported downstream of the variant. The variant has been reported at least twice as pathogenic with clinical assertions and evidence for the classification (ClinVar ID: VCV000002771 /PMID: 16465621 /3billion dataset). Therefore, this variant is classified as Pathogenic according to the recommendation of ACMG/AMP guideline.

Natera, Inc.
Classification: Pathogenic for Mucolipidosis type II. Last evaluated: 2025-09-22. Review status: criteria provided, single submitter. Criteria: Natera Variant Classification Schema (03/2026). Collection method: clinical testing. Allele origin: germline.
Comment: The c.3503_3504delTC variant in GNPTAB is a frameshift variant predicted to shift the reading frame beginning at codon 1168 and leads to a stop codon 5 codons downstream. This variant is expected to result in nonsense mediated decay, truncation, or a dysfunctional protein product. This variant is rare in the general population with a frequency below the threshold expected for the associated phenotype(s). This variant has been observed in one or more individuals affected with the associated recessive disease, as either homozygous or compound heterozygous with a second variant (PMID: 23566849). Given the available evidence, this variant is classified as Pathogenic.

Dasa
Classification: Pathogenic. Last evaluated: 2025-07-11. Review status: criteria provided, single submitter. Criteria: DASA Assertion Criteria. Collection method: clinical testing. Allele origin: germline.
Comment: NM_024312.5(GNPTAB):c.3503_3504del (p.Leu1168GlnfsTer5) is a frameshift variant in GNPTAB predicted to alter the reading frame and introduce a premature termination codon and is predicted to result in an absent or altered protein product. Loss of function is an established disease mechanism for GNPTAB-associated disorders. This variant has been recurrently observed in individuals with GNPTAB-related disorders (PMID: 34342781; PMID: 32651481; PMID: 27710913; PMID: 24375680; PMID: 23566849). Also, this variant is rare in population databases. Based on the currently available evidence, this variant is classified as pathogenic.

Department of Medical Genetics, Sanjay Gandhi Post Graduate Institute of Medical Sciences
Classification: Pathogenic for Mucolipidosis type II. Last evaluated: 2025-07-10. Review status: criteria provided, single submitter. Criteria: ACMG Guidelines, 2015. Collection method: research. Allele origin: biparental. Inheritance: Autosomal recessive inheritance. Affected: yes. Observed: 1 homozygote.
Comment: This homozygous 2bp deletion in exon 19 of GNPTAB gene results in frame shift and premature truncation of protein 5 amino acid downstream of to codon 1168 . Based on the evidence ACMG classification (PVS1, PM2, PP4, PP5) pathogenic.

Department of Molecular Genetics, Istishari Arab Hospital
Classification: Pathogenic for Mucolipidosis type II. Last evaluated: 2025-07-06. Review status: criteria provided, single submitter. Criteria: ACMG Guidelines, 2015. Collection method: clinical testing. Allele origin: inherited. Inheritance: Autosomal recessive inheritance. Affected: yes.
Comment: The GNPTAB variant c.3503_3504del, p.Leu1168Glnfs*5 creates a shift in the reading frame starting at codon 1168. The new reading frame ends in a stop codon 5 positions downstream. This variant has previously been described as disease causing for Mucolipidosis II (PMID: 25606425, 25107912, and many others. It is classified as pathogenic (class 1) according to the recommendations of ACMG/AMP/ClinGen SVI guidelines.

Revvity Omics, Revvity
Classification: Pathogenic. Last evaluated: 2025-06-05. Review status: criteria provided, single submitter. Criteria: ACMG Guidelines, 2015. Collection method: clinical testing. Allele origin: germline.

Medical Molecular Genetics Department, Human Genetics and Genome Research Division, National Research Centre
Classification: Pathogenic for Mucolipidosis type II. Last evaluated: 2025-05-05. Review status: criteria provided, single submitter. Criteria: ACMG Guidelines, 2015. Collection method: clinical testing. Allele origin: germline. Affected: yes. Observed: 1 variant allele.

CeGaT Center for Human Genetics Tuebingen
Classification: Pathogenic. Last evaluated: 2025-04-01. Review status: criteria provided, single submitter. Criteria: CeGaT Center For Human Genetics Tuebingen Variant Classification Criteria Version 2. Collection method: clinical testing. Allele origin: germline. Affected: yes. Observed: 10 variant alleles.
Comment: GNPTAB: PM3:Very Strong, PVS1, PM2

Equipe Genetique des Anomalies du Developpement, Université de Bourgogne
Classification: Pathogenic for Mucolipidosis type II. Last evaluated: 2025-03-14. Review status: criteria provided, single submitter. Criteria: ACMG Guidelines, 2015. Collection method: clinical testing. Allele origin: paternal. Affected: yes.
Comment: This frameshift variant c.3503_3504del is predicted to result in a premature stop codon and likely results in an absent or disrupted protein product. It is absent in a homozygous state in gnomAD (v4.1.0) and is reported numerous times as pathogenic in ClinVar (VCV000002771.76). This variant was present in a compound heterozygous state. Pathogenic biallelic variants in the GNPTAB gene are responsible for type 2 and type 3 alpha/beta mucolipidosis (OMIM #252500, OMIM #252600) of autosomal recessive inheritance. According to the available evidence, this variant is considered to be pathogenic.

Blueprint Genetics
Classification: Pathogenic for GNPTAB-related disorders. Last evaluated: 2024-10-24. Review status: criteria provided, single submitter. Criteria: ACMG Guidelines, 2015. Collection method: clinical testing. Allele origin: germline. Affected: yes. Observed: 5 variant alleles.

Dubai Health Genomic Medicine Center, Dubai Health
Classification: Pathogenic for Mucolipidosis III alpha/beta. Last evaluated: 2024-10-04. Review status: criteria provided, single submitter. Criteria: ACMG Guidelines, 2015. Collection method: research. Allele origin: germline. Affected: yes.
Comment: PVS1, PM3 (moderate),PM2

Genomic Medicine Center of Excellence, King Faisal Specialist Hospital and Research Centre
Classification: Pathogenic for Mucolipidosis type II. Last evaluated: 2024-09-22. Review status: criteria provided, single submitter. Criteria: ACMG Guidelines, 2015. Collection method: clinical testing. Allele origin: germline.